The following is an entry in ClinVar:

ClinVar aggregate classification (germline): Pathogenic. Review status: criteria provided, multiple submitters, no conflicts (2 of 4 stars). 8 submissions from 8 submitters: Pathogenic (7). 1 of the submissions does not count toward it. Last evaluated 2025-12-16.

Conditions:
Cobalamin C disease. Also called: Methylmalonic aciduria and homocystinuria, Vitamin B12-responsive; Vitamin B12 metabolic defect with combined deficiency of methylmalonyl-CoA mutase and homocysteine:methyltetrahydrofolate methyltransferase; methylmalonic aciduria and homocystinuria type cblC; Methylmalonic aciduria with homocystinuria cblC type; Cobalamin-C methylmalonic acidemia and homocystinuria; Methylmalonic acidemia and homocystinuria cblC type. Identifiers: Orphanet 26, Orphanet 79282, MedGen C1848561, MONDO:0010184, OMIM 277400.

Allele frequency attached by ClinVar (database versions not stated): gnomAD 0.00003.

Submissions (8):

Variantyx, Inc.
Classification: Pathogenic for Cobalamin C disease. Last evaluated: 2025-12-16. Review status: criteria provided, single submitter. Criteria: Variantyx Assertion Criteria 2022. Collection method: clinical testing. Allele origin: de novo. Inheritance: Autosomal recessive inheritance. Affected: no.
Comment: This is a nonsense variant in the MMACHC gene (OMIM: 609831). Pathogenic variants in this gene have been associated with autosomal recessive combined methylmalonic aciduria and homocystinuria type cblC . The alteration introduces a premature termination codon in exon 4 out of 4 and is expected to result in loss of function, which is a known disease mechanism for MMACHC in this disorder (PVS1). This variant has been reported in the homozygous or compound heterozygous state in several unrelated affected individuals (PMID: 30863077, 30157807, 35361390) (PM3_Strong). It has a 0.0022% maximum allele frequency in non-founder control populations (PM2_Supporting). Based on the current evidence, this variant is classified as pathogenic for autosomal recessive combined methylmalonic aciduria and homocystinuria type cblC .

Natera, Inc.
Classification: Pathogenic for Methylmalonic aciduria and homocystinuria cblC type. Last evaluated: 2025-03-23. Review status: criteria provided, single submitter. Criteria: Natera Variant Classification Schema (03/2026). Collection method: clinical testing. Allele origin: germline.
Comment: The c.615C>A variant in MMACHC is a nonsense variant predicted to introduce a stop codon at amino acid 205. This variant is expected to result in nonsense mediated decay, truncation, or a dysfunctional protein product. This variant has been observed in one or more individuals affected with the associated recessive disease, as either homozygous or compound heterozygous with a second variant (PMID: 19914430, 20631720, 30157807). Given the available evidence, this variant is classified as Pathogenic.

Fulgent Genetics
Classification: Pathogenic for Cobalamin C disease. Last evaluated: 2024-06-06. Review status: criteria provided, single submitter. Criteria: ACMG Guidelines, 2015. Collection method: clinical testing. Allele origin: germline.

Labcorp Genetics (formerly Invitae), Labcorp
Classification: Pathogenic for Cobalamin C disease. Last evaluated: 2024-02-25. Review status: criteria provided, single submitter. Criteria: Invitae Variant Classification Sherloc (09022015). Collection method: clinical testing. Allele origin: germline.
Comment: This sequence change creates a premature translational stop signal (p.Tyr205*) in the MMACHC gene. While this is not anticipated to result in nonsense mediated decay, it is expected to disrupt the last 78 amino acid(s) of the MMACHC protein. This variant is present in population databases (no rsID available, gnomAD 0.06%). This premature translational stop signal has been observed in individuals with combined methylmalonic aciduria and homocystinuria (PMID: 16311595, 19914430, 20631720, 25388550). ClinVar contains an entry for this variant (Variation ID: 558292). Experimental studies and prediction algorithms are not available or were not evaluated, and the functional significance of this variant is currently unknown. For these reasons, this variant has been classified as Pathogenic.

Genome-Nilou Lab
Classification: Pathogenic for Cobalamin C disease. Last evaluated: 2023-04-11. Review status: criteria provided, single submitter. Criteria: ACMG Guidelines, 2015. Collection method: clinical testing. Allele origin: germline. Affected: no.

Women's Health and Genetics/Laboratory Corporation of America, LabCorp
Classification: Pathogenic for Cobalamin C disease. Last evaluated: 2021-10-25. Review status: criteria provided, single submitter. Criteria: LabCorp Variant Classification Summary - May 2015. Collection method: clinical testing. Allele origin: germline.
Comment: Variant summary: MMACHC c.615C>A (p.Tyr205X) results in a premature termination codon, predicted to cause a truncation of the encoded protein or absence of the protein due to nonsense mediated decay, which are commonly known mechanisms for disease. Truncations downstream of this position have been classified as pathogenic by our laboratory. The variant was absent in 249538 control chromosomes. c.615C>A has been reported in the literature in individuals affected with Cobalamin C Disease (Methylmalonic Aciduria With Homocystinuria, e.g. Hu_2018, Zhang_2020). These data indicate that the variant may be associated with disease. Three clinical diagnostic laboratories have submitted clinical-significance assessments for this variant to ClinVar after 2014 without evidence for independent evaluation. All laboratories classified the variant as pathogenic. Based on the evidence outlined above, the variant was classified as pathogenic.

Juno Genomics, Hangzhou Juno Genomics, Inc
Classification: Pathogenic for Cobalamin C disease. Review status: criteria provided, single submitter. Criteria: ACMG Guidelines, 2015. Collection method: clinical testing. Allele origin: germline. Affected: yes.
Comment: Absent from controls (or at extremely low frequency if recessive) in Genome Aggregation Database, Exome Sequencing Project, 1000 Genomes Project, or Exome Aggregation Consortium.;Null variant in a gene where loss of function (LOF) is a known mechanism of disease.;For recessive disorders, detected in trans with a pathogenic variant.;Patient's phenotype or family history is highly specific for a disease with a single genetic etiology.

Counsyl
Classification: Pathogenic for Cobalamin C disease. Last evaluated: 2018-05-11. Review status: no assertion criteria provided. Collection method: clinical testing. Allele origin: unknown. Not counted in ClinVar's aggregate classification.

Literature cited by the submitters: PubMed 30863077 (cited by Variantyx, Inc.); PubMed 30157807 (cited by 3 submitters); PubMed 35361390 (cited by Variantyx, Inc.); PubMed 19914430 (cited by 3 submitters); PubMed 20631720 (cited by 3 submitters); PubMed 16311595 (cited by Labcorp Genetics (formerly Invitae), Labcorp); PubMed 25388550 (cited by Labcorp Genetics (formerly Invitae), Labcorp); PubMed 31998365 (cited by Women's Health and Genetics/Laboratory Corporation of America, LabCorp).

NM_015506.3(MMACHC):c.615C>A (p.Tyr205Ter)

Genes: MMACHC (metabolism of cobalamin associated C; plus strand), LOC129930446 (ATAC-STARR-seq lymphoblastoid active region 972; plus strand). Cytogenetic location: 1p34.1.
Variant type: single nucleotide variant.
Coding change: c.615C>A on transcript NM_015506.3 (MANE Select); coding-DNA position 615, C replaced by A.
Protein change: p.Tyr205Ter; replaces tyrosine 205 with a stop codon.
Molecular consequence: nonsense.
Genome position (GRCh38, 1-based): chr1:45,508,981, C>A. VCF-style: chr1-45508981-C-A. GRCh37 (hg19) VCF-style: chr1-45974653-C-A.
Other names: c.444C>A, p.Tyr148Ter (NM_001330540.2); short protein forms Y205*, Y148*.
Identifiers: ClinVar variation 558292 (VCV000558292.23), dbSNP rs747527726, ClinGen allele CA340133688.
Genomic context (GRCh38, chr1:45,508,981, plus strand): 5'-AAGAGCTGACCGTATCGCCCTACTCGAAGGCTTCAATTTCCACTGGCGTGATTGGACTTA[C>A]CGGGATGCTGTGACACCCCAGGAGCGCTACTCAGAAGAGCAGAAGGCCTACTTCTCCACT-3'